The following is an entry in ClinVar:

ClinVar aggregate classification (germline): Uncertain significance (0 of 4 stars; one submission).

Conditions:
LEPR-related disorder. Also called: LEPR-related condition; LEPR-related disorders.

gnomAD v4.1: 3 of 1,598,386 alleles (0.00019%); highest among the groups gnomAD compares: African/African-American, 0.004%; no homozygotes.

Submission:

PreventionGenetics, part of Exact Sciences
Classification: Uncertain significance for LEPR-related condition. Last evaluated: 2024-09-03. Review status: no assertion criteria provided. Collection method: clinical testing. Allele origin: germline.
Comment: The LEPR c.470A>C variant is predicted to result in the amino acid substitution p.Tyr157Ser. To our knowledge, this variant has not been reported in the literature or in a large population database, indicating this variant is rare. At this time, the clinical significance of this variant is uncertain due to the absence of conclusive functional and genetic evidence.

NM_002303.6(LEPR):c.470A>C (p.Tyr157Ser)

Gene: LEPR (leptin receptor; plus strand). Cytogenetic location: 1p31.3.
Variant type: single nucleotide variant.
Coding change: c.470A>C on transcript NM_002303.6 (MANE Select); coding-DNA position 470, A replaced by C.
Protein change: p.Tyr157Ser; replaces tyrosine 157 with serine.
Molecular consequence: missense variant.
Genome position (GRCh38, 1-based): chr1:65,572,425, A>C. VCF-style: chr1-65572425-A-C. GRCh37 (hg19) VCF-style: chr1-66038108-A-C.
Other names: c.470A>C, p.Tyr157Ser (NM_001003679.3, NM_001003680.3, NM_001198687.2 and 2 more transcripts); short protein forms Y157S.
Identifiers: ClinVar variation 3357511 (VCV003357511.1).